The following is an entry in ClinVar:

NM_001369667.1(BICDL2):c.386G>A (p.Arg129Gln)

Gene: BICDL2 (BICD family like cargo adaptor 2; minus strand). Cytogenetic location: 16p13.3.
Variant type: single nucleotide variant.
Coding change: c.386G>A on transcript NM_001369667.1 (MANE Select); coding-DNA position 386, G replaced by A.
Protein change: p.Arg129Gln; replaces arginine 129 with glutamine.
Molecular consequence: missense variant.
Genome position (GRCh38, 1-based): chr16:3,031,047, C>T on the plus strand (G>A on the coding strand, the complement: BICDL2 is on the minus strand). VCF-style: chr16-3031047-C-T. GRCh37 (hg19) VCF-style: chr16-3081048-C-T.
Other names: c.386G>A, p.Arg129Gln (NM_001103175.2); short protein forms R129Q.
Identifiers: ClinVar variation 2646099 (VCV002646099.24), dbSNP rs201144856, ClinGen allele CA7855726.

ClinVar aggregate classification (germline): Likely benign (1 of 4 stars; one submission).

Allele frequency attached by ClinVar (database versions not stated): ESP Exome Variant Server 0.00143; 1000 Genomes Project 0.00160; 1000 Genomes Project 30x 0.00172; ExAC 0.00212; gnomAD 0.00229; TOPMed 0.00234.

Submission:

CeGaT Center for Human Genetics Tuebingen
Classification: Likely benign. Last evaluated: 2023-08-01. Review status: criteria provided, single submitter. Criteria: CeGaT Center For Human Genetics Tuebingen Variant Classification Criteria Version 2. Collection method: clinical testing. Allele origin: germline. Affected: yes. Observed: 1 variant allele.
Comment: BICDL2: BS2